The following is an entry in ClinVar:

NM_153614.4(DNAJB13):c.665G>A (p.Arg222His)

Gene: DNAJB13 (DnaJ heat shock protein family (Hsp40) member B13; plus strand). Cytogenetic location: 11q13.4.
Variant type: single nucleotide variant.
Coding change: c.665G>A on transcript NM_153614.4 (MANE Select); coding-DNA position 665, G replaced by A.
Protein change: p.Arg222His; replaces arginine 222 with histidine.
Molecular consequence: missense variant.
Genome position (GRCh38, 1-based): chr11:73,968,403, G>A. VCF-style: chr11-73968403-G-A. GRCh37 (hg19) VCF-style: chr11-73679448-G-A.
Other names: c.491G>A, p.Arg164His (NM_001377263.1); short protein forms R164H, R222H.
Identifiers: ClinVar variation 2084655 (VCV002084655.4), dbSNP rs746886994, ClinGen allele CA6180853.

ClinVar aggregate classification (germline): Uncertain significance (1 of 4 stars; one submission).

Allele frequency attached by ClinVar (database versions not stated): gnomAD 0.00001; TOPMed 0.00001.
gnomAD v4.1: 16 of 1,613,978 alleles (0.00099%); highest among the groups gnomAD compares: African/African-American, 0.0053%; no homozygotes.

Submission:

Labcorp Genetics (formerly Invitae), Labcorp
Classification: Uncertain significance. Last evaluated: 2022-03-04. Review status: criteria provided, single submitter. Criteria: Invitae Variant Classification Sherloc (09022015). Collection method: clinical testing. Allele origin: germline.
Comment: This sequence change replaces arginine, which is basic and polar, with histidine, which is basic and polar, at codon 222 of the DNAJB13 protein (p.Arg222His). This variant is present in population databases (rs746886994, gnomAD 0.006%). This variant has not been reported in the literature in individuals affected with DNAJB13-related conditions. Algorithms developed to predict the effect of missense changes on protein structure and function output the following: SIFT: "Tolerated"; PolyPhen-2: "Benign"; Align-GVGD: "Class C0". The histidine amino acid residue is found in multiple mammalian species, which suggests that this missense change does not adversely affect protein function. In summary, the available evidence is currently insufficient to determine the role of this variant in disease. Therefore, it has been classified as a Variant of Uncertain Significance.